The following is an entry in ClinVar:

NM_012210.4(TRIM32):c.972G>A (p.Glu324=)

Genes: ASTN2 (astrotactin 2; minus strand), TRIM32 (tripartite motif containing 32; plus strand). Cytogenetic location: 9q33.1.
Variant type: single nucleotide variant.
Coding change: c.972G>A on transcript NM_012210.4 (MANE Select); coding-DNA position 972, G replaced by A.
Protein change: p.Glu324=; no amino-acid change (glutamic acid 324 retained).
Molecular consequence: synonymous variant. On other transcripts: intron variant (3).
Genome position (GRCh38, 1-based): chr9:116,698,714, G>A. VCF-style: chr9-116698714-G-A. GRCh37 (hg19) VCF-style: chr9-119460993-G-A.
Other names: c.972G>A, p.Glu324= (NM_001099679.2, NM_001379048.1, NM_001379049.1 and 1 more transcripts); c.2653+27057C>T (NM_014010.5); c.2794+27057C>T (NM_001365069.1); c.2806+27057C>T (NM_001365068.1).
Identifiers: ClinVar variation 701771 (VCV000701771.11), dbSNP rs904444090, ClinGen allele CA198770305.

ClinVar aggregate classification (germline): Likely benign. Review status: criteria provided, multiple submitters, no conflicts (2 of 4 stars). 3 submissions from 3 submitters: Likely benign (2). 1 of the submissions does not count toward it. Last evaluated 2024-04-18.

Conditions:
TRIM32-related disorder. Also called: TRIM32-related condition.
Bardet-Biedl syndrome (BBS). Identifiers: Orphanet 110, MedGen C0752166, MONDO:0015229.

Allele frequency attached by ClinVar (database versions not stated): gnomAD exomes below 0.00001.
gnomAD v4.1: 1 of 1,614,206 alleles (0.000062%); highest among the groups gnomAD compares: Admixed American, 0.0017%; no homozygotes.

Submissions (3):

Labcorp Genetics (formerly Invitae), Labcorp
Classification: Likely benign for Bardet-Biedl syndrome. Last evaluated: 2024-04-18. Review status: criteria provided, single submitter. Criteria: Invitae Variant Classification Sherloc (09022015). Collection method: clinical testing. Allele origin: germline.

Blueprint Genetics
Classification: Likely benign. Last evaluated: 2021-11-03. Review status: criteria provided, single submitter. Criteria: ACMG Guidelines, 2015. Collection method: clinical testing. Allele origin: germline.

PreventionGenetics, part of Exact Sciences
Classification: Likely benign for TRIM32-related condition. Last evaluated: 2023-01-30. Review status: no assertion criteria provided. Collection method: clinical testing. Allele origin: germline. Not counted in ClinVar's aggregate classification.
Comment: This variant is classified as likely benign based on ACMG/AMP sequence variant interpretation guidelines (Richards et al. 2015 PMID: 25741868, with internal and published modifications).